The following is an entry in ClinVar:

NM_004304.5(ALK):c.548G>T (p.Gly183Val)

Gene: ALK (ALK receptor tyrosine kinase; minus strand). Cytogenetic location: 2p23.1.
Variant type: single nucleotide variant.
Coding change: c.548G>T on transcript NM_004304.5 (MANE Select); coding-DNA position 548, G replaced by T.
Protein change: p.Gly183Val; replaces glycine 183 with valine.
Molecular consequence: missense variant.
Genome position (GRCh38, 1-based): chr2:29,920,112, C>A on the plus strand (G>T on the coding strand, the complement: ALK is on the minus strand). VCF-style: chr2-29920112-C-A. GRCh37 (hg19) VCF-style: chr2-30142978-C-A.
Other names: short protein forms G183V.
Identifiers: ClinVar variation 999469 (VCV000999469.12), dbSNP rs1060500223, ClinGen allele CA346589818.

ClinVar aggregate classification (germline): Uncertain significance. Review status: criteria provided, multiple submitters, no conflicts (2 of 4 stars). 2 submissions from 2 submitters: Uncertain significance (2). Last evaluated 2025-11-05.

Conditions:
Neuroblastoma, susceptibility to, 3. Also called: ALK-Related Neuroblastic Tumor Susceptibility. Identifiers: Orphanet 635, MedGen C2751681, MONDO:0013083, OMIM 613014.
Hereditary cancer-predisposing syndrome. Also called: Neoplastic Syndromes, Hereditary; Hereditary neoplastic syndrome; Hereditary Cancer Syndrome; Tumor predisposition. Identifiers: Orphanet 140162, MedGen C0027672, MeSH D009386, MONDO:0015356.

Allele frequency attached by ClinVar (database versions not stated): TOPMed below 0.00001; gnomAD 0.00001.
gnomAD v4.1: 4 of 1,614,032 alleles (0.00025%); highest among the groups gnomAD compares: Non-Finnish European, 0.00034%; no homozygotes.

Submissions (2):

Labcorp Genetics (formerly Invitae), Labcorp
Classification: Uncertain significance for Neuroblastoma, susceptibility to, 3. Last evaluated: 2025-11-05. Review status: criteria provided, single submitter. Criteria: Invitae Variant Classification Sherloc (09022015). Collection method: clinical testing. Allele origin: germline.
Comment: This sequence change replaces glycine, which is neutral and non-polar, with valine, which is neutral and non-polar, at codon 183 of the ALK protein (p.Gly183Val). This variant is present in population databases (no rsID available, gnomAD 0.007%). This variant has not been reported in the literature in individuals affected with ALK-related conditions. ClinVar contains an entry for this variant (Variation ID: 999469). An algorithm developed to predict the effect of missense changes on protein structure and function (PolyPhen-2) suggests that this variant is likely to be disruptive. In summary, the available evidence is currently insufficient to determine the role of this variant in disease. Therefore, it has been classified as a Variant of Uncertain Significance.

Ambry Genetics
Classification: Uncertain significance for Hereditary cancer-predisposing syndrome. Last evaluated: 2024-04-19. Review status: criteria provided, single submitter. Criteria: Ambry Variant Classification Scheme 2023. Collection method: clinical testing. Allele origin: germline.
Comment: The p.G183V variant (also known as c.548G>T), located in coding exon 1 of the ALK gene, results from a G to T substitution at nucleotide position 548. The glycine at codon 183 is replaced by valine, an amino acid with dissimilar properties. This amino acid position is conserved. In addition, this alteration is predicted to be deleterious by in silico analysis. Since supporting evidence is limited at this time, the clinical significance of this alteration remains unclear.